The following is an entry in ClinVar:

NM_022124.6(CDH23):c.6718G>C (p.Val2240Leu)

Gene: CDH23 (cadherin related 23; plus strand). Cytogenetic location: 10q22.1.
Variant type: single nucleotide variant.
Coding change: c.6718G>C on transcript NM_022124.6 (MANE Select); coding-DNA position 6718, G replaced by C.
Protein change: p.Val2240Leu; replaces valine 2240 with leucine.
Molecular consequence: missense variant. On other transcripts: 5 prime UTR variant (2).
Genome position (GRCh38, 1-based): chr10:71,797,109, G>C. VCF-style: chr10-71797109-G-C. GRCh37 (hg19) VCF-style: chr10-73556866-G-C.
Other names: c.-3G>C (NM_001171933.1, NM_001171934.1); short protein forms V2240L.
Identifiers: ClinVar variation 1047605 (VCV001047605.5), dbSNP rs727504694, ClinGen allele CA377156843.

ClinVar aggregate classification (germline): Uncertain significance (1 of 4 stars; one submission).

gnomAD v4.1: 2 of 1,609,744 alleles (0.00012%); highest among the groups gnomAD compares: East Asian, 0.0022%; no homozygotes.

Submission:

Labcorp Genetics (formerly Invitae), Labcorp
Classification: Uncertain significance. Last evaluated: 2022-10-13. Review status: criteria provided, single submitter. Criteria: Invitae Variant Classification Sherloc (09022015). Collection method: clinical testing. Allele origin: germline.
Comment: Advanced modeling of protein sequence and biophysical properties (such as structural, functional, and spatial information, amino acid conservation, physicochemical variation, residue mobility, and thermodynamic stability) performed at Invitae indicates that this missense variant is not expected to disrupt CDH23 protein function. ClinVar contains an entry for this variant (Variation ID: 1047605). This variant has not been reported in the literature in individuals affected with CDH23-related conditions. This variant is not present in population databases (gnomAD no frequency). This sequence change replaces valine, which is neutral and non-polar, with leucine, which is neutral and non-polar, at codon 2240 of the CDH23 protein (p.Val2240Leu). In summary, the available evidence is currently insufficient to determine the role of this variant in disease. Therefore, it has been classified as a Variant of Uncertain Significance.